The following is an entry in ClinVar:

ClinVar aggregate classification (germline): Likely pathogenic (1 of 4 stars; one submission).

Conditions:
Charcot-Marie-Tooth disease. Also called: Charcot-Marie-Tooth Neuropathy; Charcot-Marie-Tooth Hereditary Neuropathy. Identifiers: Orphanet 166, MedGen C0007959, MONDO:0015626.

Submission:

Laboratory of Functional Genomics, Research Centre for Medical Genetics
Classification: Likely pathogenic for Charcot-Marie-Tooth disease. Last evaluated: 2026-11-11. Review status: criteria provided, single submitter. Criteria: ACMG Guidelines, 2015. Collection method: curation. Allele origin: unknown. Inheritance: X-linked inheritance. Affected: yes. Observed: 1 variant allele, 1 hemizygote.
Comment: The DRP2 NM_001939.2:c.439-123_559+197del variant is absent from population databases (PM2_Supporting). The 441-bp deletion encompasses exon 6, resulting in a frameshift and a premature termination codon, consistent with loss of function (PVS1_Very Strong). The variant is therefore classified as Likely Pathogenic (PVS1_Very Strong, PM2_Supporting).

Literature cited by the submitters: DOI 10.1212/WNL.0000000000209174.

NM_001939.3(DRP2):c.439-123_559+197del

Gene: DRP2 (dystrophin related protein 2; plus strand). Cytogenetic location: Xq22.1.
Variant type: Deletion.
Coding change: c.439-123_559+197del on transcript NM_001939.3 (MANE Select); 123 bases into the intron before coding-DNA position 439 through 197 bases into the intron after coding-DNA position 559, 441 bases deleted.
Molecular consequence: splice acceptor variant, splice donor variant.
Genome position (GRCh38, 1-based): chrX:101,238,858-101,239,298, 441 bases deleted. GRCh37 (hg19): chrX:100,493,847-100,494,287.
Other names: c.205-123_325+197del (NM_001171184.2).
Identifiers: ClinVar variation 5043296 (VCV005043296.1).